The following is an entry in ClinVar:

NM_182925.5(FLT4):c.3488C>T (p.Ser1163Leu)

Gene: FLT4 (fms related receptor tyrosine kinase 4; minus strand). Cytogenetic location: 5q35.3.
Variant type: single nucleotide variant.
Coding change: c.3488C>T on transcript NM_182925.5 (MANE Select); coding-DNA position 3488, C replaced by T.
Protein change: p.Ser1163Leu; replaces serine 1163 with leucine.
Molecular consequence: missense variant.
Genome position (GRCh38, 1-based): chr5:180,612,555, G>A on the plus strand (C>T on the coding strand, the complement: FLT4 is on the minus strand). VCF-style: chr5-180612555-G-A. GRCh37 (hg19) VCF-style: chr5-180039555-G-A.
Other names: c.3488C>T, p.Ser1163Leu (NM_001354989.2, NM_002020.5); short protein forms S1163L.
Identifiers: ClinVar variation 3354611 (VCV003354611.1).

ClinVar aggregate classification (germline): Uncertain significance (0 of 4 stars; one submission).

Conditions:
FLT4-related disorder. Also called: FLT4-related condition.

gnomAD v4.1: 26 of 1,613,960 alleles (0.0016%); highest among the groups gnomAD compares: East Asian, 0.0022%; no homozygotes.

Submission:

PreventionGenetics, part of Exact Sciences
Classification: Uncertain significance for FLT4-related condition. Last evaluated: 2024-06-22. Review status: no assertion criteria provided. Collection method: clinical testing. Allele origin: germline.
Comment: The FLT4 c.3488C>T variant is predicted to result in the amino acid substitution p.Ser1163Leu. To our knowledge, this variant has not been reported in the literature. This variant is reported in 0.0062% of alleles in individuals of African descent in gnomAD. At this time, the clinical significance of this variant is uncertain due to the absence of conclusive functional and genetic evidence.